The following is an entry in ClinVar:

NM_152383.5(DIS3L2):c.1729G>A (p.Glu577Lys)

Gene: DIS3L2 (DIS3 like 3'-5' exoribonuclease 2; plus strand). Cytogenetic location: 2q37.1.
Variant type: single nucleotide variant.
Coding change: c.1729G>A on transcript NM_152383.5 (MANE Select); coding-DNA position 1729, G replaced by A.
Protein change: p.Glu577Lys; replaces glutamic acid 577 with lysine.
Molecular consequence: missense variant. On other transcripts: non-coding transcript variant (2), intron variant (1).
Genome position (GRCh38, 1-based): chr2:232,300,109, G>A. VCF-style: chr2-232300109-G-A. GRCh37 (hg19) VCF-style: chr2-233164819-G-A.
Other names: c.1581+36747G>A (NM_001257281.2); short protein forms E577K.
Identifiers: ClinVar variation 569186 (VCV000569186.9), dbSNP rs750651562, ClinGen allele CA2164246.
Genomic context (GRCh38, chr2:232,300,109, plus strand): 5'-GCTTTCACTCTGGACCACGAGACCGGATTGCCTCAAGGATGTCATATCTATGAGTACCGC[G>A]AGAGCAACAAGTAAGCCACTCAGTGGGAAAGAGTGTCACTTCACATGTGTGCAGCAGTGG-3'
Protein context (NP_689596.4, residues 567-587): PQGCHIYEYR[Glu577Lys]SNKLVEEFML

ClinVar aggregate classification (germline): Uncertain significance (1 of 4 stars; one submission).

Conditions:
Perlman syndrome (PRLMNS). Identifiers: Orphanet 2849, MedGen C0796113, MONDO:0009965, OMIM 267000.

Allele frequency attached by ClinVar (database versions not stated): ExAC 0.00001; gnomAD exomes 0.00001 and 0.00002; gnomAD 0.00002 and 0.00003; TOPMed 0.00002.
gnomAD v4.1: 19 of 1,613,582 alleles (0.0012%); highest among the groups gnomAD compares: Middle Eastern, 0.016%; no homozygotes.

Submission:

Labcorp Genetics (formerly Invitae), Labcorp
Classification: Uncertain significance for Perlman syndrome. Last evaluated: 2025-12-09. Review status: criteria provided, single submitter. Criteria: Invitae Variant Classification Sherloc (09022015). Collection method: clinical testing. Allele origin: germline.
Comment: This sequence change replaces glutamic acid, which is acidic and polar, with lysine, which is basic and polar, at codon 577 of the DIS3L2 protein (p.Glu577Lys). This variant is present in population databases (rs750651562, gnomAD 0.003%). This variant has not been reported in the literature in individuals affected with DIS3L2-related conditions. ClinVar contains an entry for this variant (Variation ID: 569186). Invitae Evidence Modeling of protein sequence and biophysical properties (such as structural, functional, and spatial information, amino acid conservation, physicochemical variation, residue mobility, and thermodynamic stability) indicates that this missense variant is not expected to disrupt DIS3L2 protein function with a negative predictive value of 80%. In summary, the available evidence is currently insufficient to determine the role of this variant in disease. Therefore, it has been classified as a Variant of Uncertain Significance.